The following is an entry in ClinVar:

ClinVar aggregate classification (germline): Uncertain significance (1 of 4 stars; one submission).

Allele frequency attached by ClinVar (database versions not stated): ESP Exome Variant Server 0.00008; TOPMed 0.00002; ExAC 0.00003.
gnomAD v4.1: 48 of 1,609,002 alleles (0.003%); highest among the groups gnomAD compares: Non-Finnish European, 0.004%; no homozygotes.

Submission:

Labcorp Genetics (formerly Invitae), Labcorp
Classification: Uncertain significance. Last evaluated: 2023-08-17. Review status: criteria provided, single submitter. Criteria: Invitae Variant Classification Sherloc (09022015). Collection method: clinical testing. Allele origin: germline.
Comment: This variant is present in population databases (rs376833953, gnomAD 0.005%). This variant has not been reported in the literature in individuals affected with MRPS7-related conditions. ClinVar contains an entry for this variant (Variation ID: 1911358). Algorithms developed to predict the effect of missense changes on protein structure and function output the following: SIFT: "Not Available"; PolyPhen-2: "Benign"; Align-GVGD: "Not Available". The asparagine amino acid residue is found in multiple mammalian species, which suggests that this missense change does not adversely affect protein function. In summary, the available evidence is currently insufficient to determine the role of this variant in disease. Therefore, it has been classified as a Variant of Uncertain Significance. This sequence change replaces lysine, which is basic and polar, with asparagine, which is neutral and polar, at codon 7 of the MRPS7 protein (p.Lys7Asn).

NM_015971.4(MRPS7):c.21G>C (p.Lys7Asn)

Genes: MRPS7 (mitochondrial ribosomal protein S7; plus strand), GGA3 (golgi associated, gamma adaptin ear containing, ARF binding protein 3; minus strand). Cytogenetic location: 17q25.1.
Variant type: single nucleotide variant.
Coding change: c.21G>C on transcript NM_015971.4 (MANE Select); coding-DNA position 21, G replaced by C.
Protein change: p.Lys7Asn; replaces lysine 7 with asparagine.
Molecular consequence: missense variant. On other transcripts: intron variant (2).
Genome position (GRCh38, 1-based): chr17:75,261,921, G>C. VCF-style: chr17-75261921-G-C. GRCh37 (hg19) VCF-style: chr17-73258002-G-C.
Other names: c.-228+361C>G (NM_001172704.3); c.-177+361C>G (NM_001172703.3); short protein forms K7N.
Identifiers: ClinVar variation 1911358 (VCV001911358.4), dbSNP rs376833953, ClinGen allele CA8760163.